The following is an entry in ClinVar:

NM_000088.4(COL1A1):c.299-1G>C

Gene: COL1A1 (collagen type I alpha 1 chain; minus strand). Cytogenetic location: 17q21.33.
Variant type: single nucleotide variant.
Coding change: c.299-1G>C on transcript NM_000088.4 (MANE Select); the canonical splice acceptor site of the intron before coding-DNA position 299, G replaced by C.
Molecular consequence: splice acceptor variant.
Genome position (GRCh38, 1-based): chr17:50,199,591, C>G on the plus strand (G>C on the coding strand, the complement: COL1A1 is on the minus strand). VCF-style: chr17-50199591-C-G. GRCh37 (hg19) VCF-style: chr17-48276952-C-G.
Identifiers: ClinVar variation 2138088 (VCV002138088.4), dbSNP rs1598301619, ClinGen allele CA400227952.

ClinVar aggregate classification (germline): Pathogenic (1 of 4 stars; one submission).

Conditions:
Osteogenesis imperfecta type I (OI1). Also called: OI, TYPE I; OSTEOGENESIS IMPERFECTA TARDA; OSTEOGENESIS IMPERFECTA WITH BLUE SCLERAE; Osteogenesis imperfecta type 1; Lobstein disease; Lobstein's Disease. Identifiers: Orphanet 216796, Orphanet 666, MedGen C0023931, MONDO:0008146, OMIM 166200. Disease mechanism: loss of function.

Submission:

Labcorp Genetics (formerly Invitae), Labcorp
Classification: Pathogenic for Osteogenesis imperfecta type I. Last evaluated: 2025-08-16. Review status: criteria provided, single submitter. Criteria: Invitae Variant Classification Sherloc (09022015). Collection method: clinical testing. Allele origin: germline.
Comment: This sequence change affects an acceptor splice site in intron 2 of the COL1A1 gene. It is expected to disrupt RNA splicing. Variants that disrupt the donor or acceptor splice site typically lead to a loss of protein function (PMID: 16199547), and loss-of-function variants in COL1A1 are known to be pathogenic (PMID: 7942841, 9295084, 9443882). This variant is not present in population databases (gnomAD no frequency). Disruption of this splice site has been observed in individual(s) with osteogenesis imperfecta (PMID: 25963598). ClinVar contains an entry for this variant (Variation ID: 2138088). Algorithms developed to predict the effect of sequence changes on RNA splicing suggest that this variant may disrupt the consensus splice site. For these reasons, this variant has been classified as Pathogenic.

Literature cited by the submitters: PubMed 16199547; PubMed 7942841; PubMed 9295084; PubMed 9443882; PubMed 25963598.